The following is an entry in ClinVar:

ClinVar aggregate classification (germline): Pathogenic (1 of 4 stars; one submission).

Conditions:
Ehlers-Danlos syndrome, kyphoscoliotic type 1 (EDSKSCL1). Also called: EHLERS-DANLOS SYNDROME, TYPE VIA; Ehlers-Danlos syndrome, hydroxylysine-deficient; EHLERS-DANLOS SYNDROME, OCULAR-SCOLIOTIC TYPE; PLOD1-Related Kyphoscoliotic Ehlers-Danlos Syndrome. Identifiers: Orphanet 1900, MedGen C0268342, MONDO:0016002, OMIM 225400. Disease mechanism: loss of function.

Submission:

Labcorp Genetics (formerly Invitae), Labcorp
Classification: Pathogenic for Ehlers-Danlos syndrome, kyphoscoliotic type 1. Last evaluated: 2023-09-10. Review status: criteria provided, single submitter. Criteria: Invitae Variant Classification Sherloc (09022015). Collection method: clinical testing. Allele origin: unknown.
Comment: This variant is a gross deletion of the genomic region encompassing exon(s) 7-10 of the PLOD1 gene. This deletion is out-of-frame, and is expected to create a premature termination codon and result in an absent or disrupted protein product. Loss-of-function variants in PLOD1 are known to be pathogenic (PMID: 10874315, 21699693). This variant has not been reported in the literature in individuals affected with PLOD1-related conditions. For these reasons, this variant has been classified as Pathogenic.

Literature cited by the submitters: PubMed 10874315; PubMed 21699693.

NC_000001.10:g.(?_12016954)_(12020844_?)del

Gene: PLOD1 (procollagen-lysine,2-oxoglutarate 5-dioxygenase 1; plus strand). Cytogenetic location: 1p36.22.
Variant type: Deletion.
Identifiers: ClinVar variation 3247671 (VCV003247671.1).